The following is an entry in ClinVar:

NM_020461.4(TUBGCP6):c.3570C>T (p.His1190=)

Gene: TUBGCP6 (tubulin gamma complex component 6; minus strand). Cytogenetic location: 22q13.33.
Variant type: single nucleotide variant.
Coding change: c.3570C>T on transcript NM_020461.4 (MANE Select); coding-DNA position 3570, C replaced by T.
Protein change: p.His1190=; no amino-acid change (histidine 1190 retained).
Molecular consequence: synonymous variant.
Genome position (GRCh38, 1-based): chr22:50,220,789, G>A on the plus strand (C>T on the coding strand, the complement: TUBGCP6 is on the minus strand). VCF-style: chr22-50220789-G-A. GRCh37 (hg19) VCF-style: chr22-50659218-G-A.
Identifiers: ClinVar variation 722523 (VCV000722523.26), dbSNP rs754249187, ClinGen allele CA10307905.
Genomic context (GRCh38, chr22:50,220,789, plus strand): 5'-TGGCCGGGTGGGAGCCATGTCTGACACAGACTCCCCCAAGCTGATGCTGGCATCAGACAC[G>A]TGTCCATGGGTGTTCCACCGTGGCCGGGCGGGAGCCATGTCTGACACAGACTCCCCCAAG-3'
Protein context (NP_065194.3, residues 1180-1200): PARPRWNTHG[His1190=]VSDASISLGE

ClinVar aggregate classification (germline): Likely benign. Review status: criteria provided, multiple submitters, no conflicts (2 of 4 stars). 4 submissions from 4 submitters: Likely benign (4). Last evaluated 2026-05-27.

Allele frequency attached by ClinVar (database versions not stated): gnomAD exomes 0.00002; ExAC 0.00004; gnomAD 0.00005; TOPMed 0.00006.

Submissions (4):

Women's Health and Genetics/Laboratory Corporation of America, LabCorp
Classification: Likely benign. Last evaluated: 2026-05-27. Review status: criteria provided, single submitter. Criteria: LabCorp Variant Classification Summary - May 2015. Collection method: clinical testing. Allele origin: germline.

Labcorp Genetics (formerly Invitae), Labcorp
Classification: Likely benign. Last evaluated: 2025-11-15. Review status: criteria provided, single submitter. Criteria: Invitae Variant Classification Sherloc (09022015). Collection method: clinical testing. Allele origin: germline.

Blueprint Genetics
Classification: Likely benign. Last evaluated: 2024-11-06. Review status: criteria provided, single submitter. Criteria: ACMG Guidelines, 2015. Collection method: clinical testing. Allele origin: germline.

CeGaT Center for Human Genetics Tuebingen
Classification: Likely benign. Last evaluated: 2024-11-01. Review status: criteria provided, single submitter. Criteria: CeGaT Center For Human Genetics Tuebingen Variant Classification Criteria Version 2. Collection method: clinical testing. Allele origin: germline. Affected: yes. Observed: 1 variant allele.
Comment: TUBGCP6: BP4, BP7